The following is an entry in ClinVar:

ClinVar aggregate classification (germline): Likely benign. Review status: criteria provided, multiple submitters, no conflicts (2 of 4 stars). 2 submissions from 2 submitters: Likely benign (2). Last evaluated 2024-10-14.

Conditions:
Hereditary diffuse gastric adenocarcinoma (HDGC). Also called: DIFFUSE GASTRIC AND LOBULAR BREAST CANCER SYNDROME. Identifiers: Orphanet 26106, MedGen C1708349, MONDO:0007648, OMIM 137215.

gnomAD v4.1: 5 of 1,374,046 alleles (0.00036%); highest among the groups gnomAD compares: Non-Finnish European, 0.00052%; no homozygotes.

Submissions (2):

Myriad Genetics, Inc.
Classification: Likely benign for Hereditary diffuse gastric adenocarcinoma. Last evaluated: 2024-10-14. Review status: criteria provided, single submitter. Criteria: Myriad Autosomal Dominant, Autosomal Recessive and X-Linked Classification Criteria (2023). Collection method: clinical testing. Allele origin: unknown.
Comment: This variant is considered likely benign. This variant is intronic and is not expected to impact mRNA splicing.

Labcorp Genetics (formerly Invitae), Labcorp
Classification: Likely benign. Last evaluated: 2022-03-31. Review status: criteria provided, single submitter. Criteria: Invitae Variant Classification Sherloc (09022015). Collection method: clinical testing. Allele origin: germline.

NM_001903.5(CTNNA1):c.1900-19A>C

Gene: CTNNA1 (catenin alpha 1; plus strand). Cytogenetic location: 5q31.2.
Variant type: single nucleotide variant.
Coding change: c.1900-19A>C on transcript NM_001903.5 (MANE Select); 19 bases into the intron before coding-DNA position 1900, A replaced by C.
Molecular consequence: intron variant.
Genome position (GRCh38, 1-based): chr5:138,929,227, A>C. VCF-style: chr5-138929227-A-C. GRCh37 (hg19) VCF-style: chr5-138264916-A-C.
Other names: c.1900-19A>C (NM_001323982.2, NM_001323984.2, NM_001290307.3 and 2 more transcripts); c.1807-19A>C (NM_001323986.2); c.1531-19A>C (NM_001290310.3); c.1591-19A>C (NM_001290309.3); c.790-19A>C (NM_001323996.1, NM_001323993.1, NM_001324005.1 and 17 more transcripts); c.451-19A>C (NM_001324007.1, NM_001324009.1, NM_001324006.1 and 2 more transcripts); c.547-19A>C (NM_001324013.1, NM_001324012.1); c.697-19A>C (NM_001324011.1).
Identifiers: ClinVar variation 1602336 (VCV001602336.9), dbSNP rs2150324405, ClinGen allele CA2573139142.